The following is an entry in ClinVar:

NM_020822.3(KCNT1):c.3274C>T (p.Arg1092Cys)

Gene: KCNT1 (potassium sodium-activated channel subfamily T member 1; plus strand). Cytogenetic location: 9q34.3.
Variant type: single nucleotide variant.
Coding change: c.3274C>T on transcript NM_020822.3 (MANE Select); coding-DNA position 3274, C replaced by T.
Protein change: p.Arg1092Cys; replaces arginine 1092 with cysteine.
Molecular consequence: missense variant.
Genome position (GRCh38, 1-based): chr9:135,786,293, C>T. VCF-style: chr9-135786293-C-T. GRCh37 (hg19) VCF-style: chr9-138678139-C-T.
Other names: c.3139C>T, p.Arg1047Cys (NM_001272003.2); short protein forms R1092C, R1047C.
Identifiers: ClinVar variation 412305 (VCV000412305.17), dbSNP rs1060503695, ClinGen allele CA16612553.

ClinVar aggregate classification (germline): Benign/Likely benign. Review status: criteria provided, multiple submitters, no conflicts (2 of 4 stars). 3 submissions from 3 submitters: Benign (1); Likely benign (2). Last evaluated 2026-05-01.

Conditions:
Inborn genetic diseases. Identifiers: MedGen C0950123, MeSH D030342.
Developmental and epileptic encephalopathy, 14 (DEE14). Also called: Early infantile epileptic encephalopathy 14. Identifiers: Orphanet 293181, MedGen C3554195, MONDO:0013989, OMIM 614959.
Autosomal dominant nocturnal frontal lobe epilepsy 5. Also called: CILIARY DYSKINESIA, PRIMARY, 28, WITH SITUS INVERSUS; Epilepsy, nocturnal frontal lobe, 5; CILIARY DYSKINESIA, PRIMARY, 28, WITHOUT SITUS INVERSUS; KCNT1-Related Epilepsy. Identifiers: Orphanet 98784, MedGen C3554306, MONDO:0014002, OMIM 615005.

Allele frequency attached by ClinVar (database versions not stated): gnomAD 0.00003; gnomAD exomes 0.00003 and 0.00002; TOPMed 0.00003.
gnomAD v4.1: 33 of 1,606,196 alleles (0.0021%); highest among the groups gnomAD compares: Admixed American, 0.01%; no homozygotes.

Submissions (3):

CeGaT Center for Human Genetics Tuebingen
Classification: Likely benign. Last evaluated: 2026-05-01. Review status: criteria provided, single submitter. Criteria: CeGaT Center For Human Genetics Tuebingen Variant Classification Criteria Version 2. Collection method: clinical testing. Allele origin: germline. Affected: yes. Observed: 1 variant allele.
Comment: KCNT1: BP4, BS2

Labcorp Genetics (formerly Invitae), Labcorp
Classification: Likely benign for Autosomal dominant nocturnal frontal lobe epilepsy 5; Developmental and epileptic encephalopathy, 14. Last evaluated: 2025-08-31. Review status: criteria provided, single submitter. Criteria: Invitae Variant Classification Sherloc (09022015). Collection method: clinical testing. Allele origin: germline.

Ambry Genetics
Classification: Benign for Inborn genetic diseases. Last evaluated: 2024-06-04. Review status: criteria provided, single submitter. Criteria: Ambry Variant Classification Scheme 2023. Collection method: clinical testing. Allele origin: germline.